The following is an entry in ClinVar:

NM_000478.6(ALPL):c.1356G>T (p.Glu452Asp)

Gene: ALPL (alkaline phosphatase, biomineralization associated; plus strand). Cytogenetic location: 1p36.12.
Variant type: single nucleotide variant.
Coding change: c.1356G>T on transcript NM_000478.6 (MANE Select); coding-DNA position 1356, G replaced by T.
Protein change: p.Glu452Asp; replaces glutamic acid 452 with aspartic acid.
Molecular consequence: missense variant.
Genome position (GRCh38, 1-based): chr1:21,577,429, G>T. VCF-style: chr1-21577429-G-T. GRCh37 (hg19) VCF-style: chr1-21903922-G-T.
Other names: c.1191G>T, p.Glu397Asp (NM_001127501.4); c.1125G>T, p.Glu375Asp (NM_001177520.3); c.1356G>T, p.Glu452Asp (NM_001369803.2, NM_001369804.2, NM_001369805.2); short protein forms E375D, E397D, E452D.
Identifiers: ClinVar variation 2820741 (VCV002820741.8), dbSNP rs2545350546, ClinGen allele CA338882025.

ClinVar aggregate classification (germline): Likely pathogenic. Review status: criteria provided, multiple submitters, no conflicts (2 of 4 stars). 4 submissions from 4 submitters: Likely pathogenic (4). Last evaluated 2026-01-20.

Conditions:
Hypophosphatasia. Also called: Phosphoethanol-aminuria. Identifiers: Orphanet 436, MedGen C0020630, MeSH D007014, MONDO:0018570.

Submissions (4):

Women's Health and Genetics/Laboratory Corporation of America, LabCorp
Classification: Likely pathogenic for Hypophosphatasia. Last evaluated: 2026-01-20. Review status: criteria provided, single submitter. Criteria: LabCorp Variant Classification Summary - May 2015. Collection method: clinical testing. Allele origin: germline.
Comment: Variant summary: ALPL c.1356G>T (p.Glu452Asp) results in a conservative amino acid change in the encoded protein sequence. Algorithms developed to predict the effect of missense changes on protein structure and function are either unavailable or do not agree on the potential impact of this missense change. The variant was absent in 246068 control chromosomes (gnomAD). c.1356G>T has been observed in at least one compound heterozygous individual affected with Hypophosphatasia (Kishnani_2024). A different variant affecting the same codon has been classified as pathogenic by our lab (c.1354G>A, p.Glu452Lys), supporting the critical relevance of codon 452 to ALPL protein function. At least one functional study showed reduced ALP activity, with a dominant negative effect (ClinVar lab). ClinVar contains an entry for this variant (Variation ID: 2820741). Based on the evidence outlined above, the variant was classified as likely pathogenic for autosomal dominant Hypophosphatasia and autosomal recessive Hypophosphatasia.

Genomenon, Inc
Classification: Likely pathogenic for Hypophosphatasia. Last evaluated: 2025-08-29. Review status: criteria provided, single submitter. Criteria: Genomenon Sequence Variant Interpretation Standards. Collection method: curation. Allele origin: germline. Affected: yes.
Comment: ALPL c.1356G>T is a missense variant that changes the amino acid at residue 452 from Glutamic acid to Aspartic acid. This variant has been observed in a proband affected with hypophosphatasia (PMID:38884565). It is absent or not present at a significant frequency in gnomAD. In silico models agree that this variant is possibly or probably damaging. The presence of pathogenic missense variant(s) at the same amino acid position indicates that this residue is likely important for protein function. In conclusion, we classify ALPL p.Glu452Asp (c.1356G>T) as a likely pathogenic variant.

JKU Lab, Dept of Paediatrics, Johannes Kepler University
Classification: Likely pathogenic for Hypophosphatasia. Last evaluated: 2024-12-10. Review status: criteria provided, single submitter. Criteria: ACMG Guidelines, 2015. Collection method: curation, in vitro. Allele origin: germline, not applicable. Affected: yes. Functional consequence: decreased enzyme activity.
Comment: This missense variant is not present in GnomAD 4.0 and affects a highly conserved amino acid in the homodimeric interface domain. The variant is predicted to affect protein function (REVEL score: 0.778). Splice-prediction algorithms predict no effect on splicing. In vitro functional studies showed reduced ALP activity, with a dominant negative effect. This variant has been reported in the literature in individuals affected with ALPL-related conditions (PMID:12815606;PMID:19500388;PMID:25731960;PMID:29236161). The results of the functional testing and the applied ACMG criteria can be viewed at an online resource

Labcorp Genetics (formerly Invitae), Labcorp
Classification: Likely pathogenic. Last evaluated: 2022-12-14. Review status: criteria provided, single submitter. Criteria: Invitae Variant Classification Sherloc (09022015). Collection method: clinical testing. Allele origin: germline.
Comment: This variant is not present in population databases (gnomAD no frequency). This sequence change replaces glutamic acid, which is acidic and polar, with aspartic acid, which is acidic and polar, at codon 452 of the ALPL protein (p.Glu452Asp). This variant has not been reported in the literature in individuals affected with ALPL-related conditions. In summary, the currently available evidence indicates that the variant is pathogenic, but additional data are needed to prove that conclusively. Therefore, this variant has been classified as Likely Pathogenic. This variant disrupts the p.Glu452 amino acid residue in ALPL. Other variant(s) that disrupt this residue have been determined to be pathogenic (PMID: 12815606, 19500388, 25731960, 29236161; Invitae). This suggests that this residue is clinically significant, and that variants that disrupt this residue are likely to be disease-causing. Advanced modeling of protein sequence and biophysical properties (such as structural, functional, and spatial information, amino acid conservation, physicochemical variation, residue mobility, and thermodynamic stability) performed at Invitae indicates that this missense variant is expected to disrupt ALPL protein function.

Literature cited by the submitters: PubMed 38884565 (cited by Women's Health and Genetics/Laboratory Corporation of America, LabCorp and Genomenon, Inc); PubMed 12815606 (cited by JKU Lab, Dept of Paediatrics, Johannes Kepler University and Labcorp Genetics (formerly Invitae), Labcorp); PubMed 19500388 (cited by JKU Lab, Dept of Paediatrics, Johannes Kepler University and Labcorp Genetics (formerly Invitae), Labcorp); PubMed 25731960 (cited by JKU Lab, Dept of Paediatrics, Johannes Kepler University and Labcorp Genetics (formerly Invitae), Labcorp); PubMed 29236161 (cited by JKU Lab, Dept of Paediatrics, Johannes Kepler University and Labcorp Genetics (formerly Invitae), Labcorp).